The following is an entry in ClinVar:

GRCh37/hg19 Xq22.2(chrX:102988399-103291789)x3

Genes: H2BW1 (H2B.W histone 1; minus strand), PLP1 (proteolipid protein 1; plus strand), RAB9B (RAB9B, member RAS oncogene family; minus strand), TMSB15B (thymosin beta 15B; plus strand). Cytogenetic location: Xq22.2.
Variant type: copy number gain.
Change: copy number 3 of chrX:102,988,399-103,291,789 (303.4 kb, GRCh37 coordinates, 1-based), cytogenetic band Xq22.2.
Identifiers: ClinVar variation 4683032 (VCV004683032.1).

ClinVar aggregate classification (germline): Pathogenic (1 of 4 stars; one submission).

Submission:

Quest Diagnostics Nichols Institute San Juan Capistrano
Classification: Pathogenic. Last evaluated: 2024-09-05. Review status: criteria provided, single submitter. Criteria: ACMG/ClinGen CNV Guidelines, 2019. Collection method: clinical testing. Allele origin: unknown.
Comment: This gain involves four protein-coding genes, including PLP1 (OMIM 300401). Triplosensitivity of PLP1 is associated with X-linked Pelizaeus-Merzbacher disease (PMD; OMIM 312080; CCID:007685; Shimojima 2010, Wolf 2019). Females often exhibit skewed X-inactivation and are clinically unaffected, although there are exceptions (Duan 2022). There are no similar copy number gains of this region in the general populations of the Database of Genomic Variants. Therefore, this copy number variant (CNV) is classified as pathogenic. Clinical presentation of this finding in a female is typically dependent upon X-inactivation status. References: Duan et al., Orphanet J Rare Dis. 2022 Mar 28;17(1):137. PMID: 35346287 Shimojima et al., Brain Dev. 2010 Mar;32(3):171-9. PMID: 19328639 Wolf et al., GeneReviews [2019 Dec 19]. PMID: 20301361